The following is an entry in ClinVar:

ClinVar aggregate classification (germline): Likely benign. Review status: criteria provided, multiple submitters, no conflicts (2 of 4 stars). 2 submissions from 2 submitters: Likely benign (2). Last evaluated 2024-08-08.

Conditions:
Cardiomyopathy (CMYO). Also called: Cardiomyopathies. Identifiers: Orphanet 167848, MedGen C0878544, MONDO:0004994, HP:0001638. Inheritance: Various modes of inheritance.
Hypertrophic cardiomyopathy. Also called: HYPERTROPHIC MYOCARDIOPATHY. Identifiers: Orphanet 217569, MedGen C0007194, MeSH D002312, MONDO:0005045, HP:0001639.

Submissions (2):

Labcorp Genetics (formerly Invitae), Labcorp
Classification: Likely benign for Hypertrophic cardiomyopathy. Last evaluated: 2024-08-08. Review status: criteria provided, single submitter. Criteria: Invitae Variant Classification Sherloc (09022015). Collection method: clinical testing. Allele origin: germline.

All of Us Research Program, National Institutes of Health
Classification: Likely benign for Cardiomyopathy. Last evaluated: 2024-03-24. Review status: criteria provided, single submitter. Criteria: ACMG Guidelines, 2015. Collection method: clinical testing. Allele origin: germline. Inheritance: Autosomal dominant inheritance. Observed: 2 variant alleles, 2 heterozygotes.
Comment: This study involves interpretation of variants in research participants for the purpose of population health screening. Participant phenotype was not available at the time of variant classification. Additional details can be found in publication PMID: 35346344, PMCID: PMC8962531

NM_000257.4(MYH7):c.402C>T (p.Tyr134=)

Gene: MYH7 (myosin heavy chain 7; minus strand). Cytogenetic location: 14q11.2.
Variant type: single nucleotide variant.
Coding change: c.402C>T on transcript NM_000257.4 (MANE Select); coding-DNA position 402, C replaced by T.
Protein change: p.Tyr134=; no amino-acid change (tyrosine 134 retained).
Molecular consequence: synonymous variant.
Genome position (GRCh38, 1-based): chr14:23,432,739, G>A on the plus strand (C>T on the coding strand, the complement: MYH7 is on the minus strand). VCF-style: chr14-23432739-G-A. GRCh37 (hg19) VCF-style: chr14-23901948-G-A.
Other names: c.402C>T, p.Tyr134= (NM_001407004.1).
Identifiers: ClinVar variation 3387362 (VCV003387362.3).
Genomic context (GRCh38, chr14:23,432,739, plus strand): 5'-GATGTGGGGCGGGGCCTCGCTCCTCTTCTTGCCCCGGTAGGCAGCCACCACCTCAGGAGT[G>A]TACACCGGCAGCCACTTGTAAGGGTTGACGGTGACACAGAAGAGGCCCGAGTAGGTCTGG-3'
Protein context (NP_000248.2, residues 124-144): TVNPYKWLPV[Tyr134=]TPEVVAAYRG